The following is an entry in ClinVar:

NM_003051.4(SLC16A1):c.178T>C (p.Trp60Arg)

Gene: SLC16A1 (solute carrier family 16 member 1; minus strand). Cytogenetic location: 1p13.2.
Variant type: single nucleotide variant.
Coding change: c.178T>C on transcript NM_003051.4 (MANE Select); coding-DNA position 178, T replaced by C.
Protein change: p.Trp60Arg; replaces tryptophan 60 with arginine.
Molecular consequence: missense variant.
Genome position (GRCh38, 1-based): chr1:112,929,131, A>G on the plus strand (T>C on the coding strand, the complement: SLC16A1 is on the minus strand). VCF-style: chr1-112929131-A-G. GRCh37 (hg19) VCF-style: chr1-113471753-A-G.
Other names: c.178T>C, p.Trp60Arg (NM_001166496.2); short protein forms W60R.
Identifiers: ClinVar variation 2504891 (VCV002504891.1), dbSNP rs2525133983, ClinGen allele CA341826224.

ClinVar aggregate classification (germline): Uncertain significance (1 of 4 stars; one submission).

Submission:

GeneDx
Classification: Uncertain significance. Last evaluated: 2022-12-02. Review status: criteria provided, single submitter. Criteria: GeneDx Variant Classification Process June 2021. Collection method: clinical testing. Allele origin: germline. Affected: yes.
Comment: Not observed at significant frequency in large population cohorts (gnomAD); In silico analysis supports that this missense variant has a deleterious effect on protein structure/function; Has not been previously published as pathogenic or benign to our knowledge